The following is an entry in ClinVar:

NM_020207.7(ERCC6L2):c.1718C>G (p.Thr573Arg)

Gene: ERCC6L2 (ERCC excision repair 6 like 2; plus strand). Cytogenetic location: 9q22.32.
Variant type: single nucleotide variant.
Coding change: c.1718C>G on transcript NM_020207.7 (MANE Select); coding-DNA position 1718, C replaced by G.
Protein change: p.Thr573Arg; replaces threonine 573 with arginine.
Molecular consequence: missense variant. On other transcripts: non-coding transcript variant (1).
Genome position (GRCh38, 1-based): chr9:95,928,831, C>G. VCF-style: chr9-95928831-C-G. GRCh37 (hg19) VCF-style: chr9-98691113-C-G.
Other names: c.1718C>G, p.Thr573Arg (NM_001010895.4, NM_001375291.1, NM_001375292.1 and 2 more transcripts); short protein forms T573R.
Identifiers: ClinVar variation 4870597 (VCV004870597.1).
Genomic context (GRCh38, chr9:95,928,831, plus strand): 5'-GACTTGATGGAAGTACAAAATCAGAGGAAAGACTCAAGATTGTAAAAGAGTTCAACAGTA[C>G]ACAAGATGTTAACATTTGCCTTGTCTCTACAATGTAAGAAAATTAAATTTAATAACTAGA-3'
Protein context (NP_064592.3, residues 563-583): RLKIVKEFNS[Thr573Arg]QDVNICLVST

ClinVar aggregate classification (germline): Uncertain significance (1 of 4 stars; one submission).

Conditions:
Inborn genetic diseases. Identifiers: MedGen C0950123, MeSH D030342.

Submission:

Ambry Genetics
Classification: Uncertain significance for Inborn genetic diseases. Last evaluated: 2026-04-27. Review status: criteria provided, single submitter. Criteria: Ambry Variant Classification Scheme 2023. Collection method: clinical testing. Allele origin: germline.
Comment: The p.T573R variant (also known as c.1718C>G), located in coding exon 11 of the ERCC6L2 gene, results from a C to G substitution at nucleotide position 1718. The threonine at codon 573 is replaced by arginine, an amino acid with similar properties. This amino acid position is conserved. In addition, this alteration is predicted to be tolerated by in silico analysis. Based on the available evidence, the clinical significance of this variant remains unclear.